The following is an entry in ClinVar:

ClinVar aggregate classification (germline): Uncertain significance (1 of 4 stars; one submission).

Conditions:
Hereditary cancer-predisposing syndrome. Also called: Neoplastic Syndromes, Hereditary; Tumor predisposition; Hereditary neoplastic syndrome; Hereditary Cancer Syndrome. Identifiers: Orphanet 140162, MedGen C0027672, MeSH D009386, MONDO:0015356.

Submission:

Ambry Genetics
Classification: Uncertain significance for Hereditary cancer-predisposing syndrome. Last evaluated: 2023-01-17. Review status: criteria provided, single submitter. Criteria: Ambry Variant Classification Scheme 2023. Collection method: clinical testing. Allele origin: germline.
Comment: The p.M319R variant (also known as c.956T>G), located in coding exon 7 of the PTCH1 gene, results from a T to G substitution at nucleotide position 956. The methionine at codon 319 is replaced by arginine, an amino acid with similar properties. This amino acid position is not well conserved in available vertebrate species. In addition, the in silico prediction for this alteration is inconclusive. Since supporting evidence is limited at this time, the clinical significance of this alteration remains unclear.

NM_000264.5(PTCH1):c.956T>G (p.Met319Arg)

Gene: PTCH1 (patched 1; minus strand). Cytogenetic location: 9q22.32.
Variant type: single nucleotide variant.
Coding change: c.956T>G on transcript NM_000264.5 (MANE Select); coding-DNA position 956, T replaced by G.
Protein change: p.Met319Arg; replaces methionine 319 with arginine.
Molecular consequence: missense variant. On other transcripts: non-coding transcript variant (1).
Genome position (GRCh38, 1-based): chr9:95,480,080, A>C on the plus strand (T>G on the coding strand, the complement: PTCH1 is on the minus strand). VCF-style: chr9-95480080-A-C. GRCh37 (hg19) VCF-style: chr9-98242362-A-C.
Other names: c.758T>G, p.Met253Arg (NM_001083602.3); c.953T>G, p.Met318Arg (NM_001083603.3); c.503T>G, p.Met168Arg (NM_001083604.3, NM_001083605.3, NM_001083606.3 and 1 more transcripts); c.956T>G, p.Met319Arg (NM_001354918.2); short protein forms M319R, M168R, M318R, M253R.
Identifiers: ClinVar variation 2449662 (VCV002449662.2), dbSNP rs867609005, ClinGen allele CA374119803.